The following is an entry in ClinVar:

NM_001365951.3(KIF1B):c.4609G>A (p.Gly1537Arg)

Gene: KIF1B (kinesin family member 1B; plus strand). Cytogenetic location: 1p36.22.
Variant type: single nucleotide variant.
Coding change: c.4609G>A on transcript NM_001365951.3 (MANE Select); coding-DNA position 4609, G replaced by A.
Protein change: p.Gly1537Arg; replaces glycine 1537 with arginine.
Molecular consequence: missense variant.
Genome position (GRCh38, 1-based): chr1:10,365,505, G>A. VCF-style: chr1-10365505-G-A. GRCh37 (hg19) VCF-style: chr1-10425563-G-A.
Other names: c.4609G>A, p.Gly1537Arg (NM_001365952.1); c.4471G>A, p.Gly1491Arg (NM_015074.3); short protein forms G1491R, G1537R.
Identifiers: ClinVar variation 3533976 (VCV003533976.1).
Genomic context (GRCh38, chr1:10,365,505, plus strand): 5'-AGACTTGGTGACAGCATCCCCAAATCCCTGAGCGACTCGTTATCCCCCAGCCTCAGCAGT[G>A]GGACCCTCAGCACCTCCACCAGTATCTCCTCTCAGATCTCAACCACTACCTTTGAAAGCG-3'
Protein context (NP_001352880.1, residues 1527-1547): SDSLSPSLSS[Gly1537Arg]TLSTSTSISS

ClinVar aggregate classification (germline): Uncertain significance (1 of 4 stars; one submission).

gnomAD v4.1: 12 of 1,614,112 alleles (0.00074%); highest among the groups gnomAD compares: Non-Finnish European, 0.001%; no homozygotes.

Submission:

Ambry Genetics
Classification: Uncertain significance. Last evaluated: 2024-08-17. Review status: criteria provided, single submitter. Criteria: Ambry Variant Classification Scheme 2023. Collection method: clinical testing. Allele origin: germline.
Comment: The p.G1491R variant (also known as c.4471G>A), located in coding exon 40 of the KIF1B gene, results from a G to A substitution at nucleotide position 4471. The glycine at codon 1491 is replaced by arginine, an amino acid with dissimilar properties. This amino acid position is conserved. In addition, the in silico prediction for this alteration is inconclusive. Based on the available evidence, the clinical significance of this variant remains unclear.